The following is an entry in ClinVar:

ClinVar aggregate classification (germline): Uncertain significance (1 of 4 stars; one submission).

Conditions:
Charcot-Marie-Tooth disease type 4. Also called: Charcot-Marie-Tooth disease, type IV; Charcot-Marie-Tooth, Type 4. Identifiers: Orphanet 64749, MedGen C4082197, MONDO:0018995.

Allele frequency attached by ClinVar (database versions not stated): gnomAD 0.00001; gnomAD exomes 0.00001; TOPMed 0.00001; ExAC 0.00002; ESP Exome Variant Server 0.00008.

Submission:

Labcorp Genetics (formerly Invitae), Labcorp
Classification: Uncertain significance for Charcot-Marie-Tooth disease type 4. Last evaluated: 2025-09-20. Review status: criteria provided, single submitter. Criteria: Invitae Variant Classification Sherloc (09022015). Collection method: clinical testing. Allele origin: germline.
Comment: This sequence change replaces alanine, which is neutral and non-polar, with threonine, which is neutral and polar, at codon 7 of the FGD4 protein (p.Ala7Thr). This variant is present in population databases (rs374980260, gnomAD 0.002%). This variant has not been reported in the literature in individuals affected with FGD4-related conditions. ClinVar contains an entry for this variant (Variation ID: 1021469). An algorithm developed to predict the effect of missense changes on protein structure and function (PolyPhen-2) suggests that this variant is likely to be tolerated. In summary, the available evidence is currently insufficient to determine the role of this variant in disease. Therefore, it has been classified as a Variant of Uncertain Significance.

NM_001370298.3(FGD4):c.430G>A (p.Ala144Thr)

Gene: FGD4 (FYVE, RhoGEF and PH domain containing 4; plus strand). Cytogenetic location: 12p11.21.
Variant type: single nucleotide variant.
Coding change: c.430G>A on transcript NM_001370298.3 (MANE Select); coding-DNA position 430, G replaced by A.
Protein change: p.Ala144Thr; replaces alanine 144 with threonine.
Molecular consequence: missense variant. On other transcripts: intron variant (4), 5 prime UTR variant (2).
Genome position (GRCh38, 1-based): chr12:32,576,376, G>A. VCF-style: chr12-32576376-G-A. GRCh37 (hg19) VCF-style: chr12-32729310-G-A.
Other names: c.430G>A, p.Ala144Thr (NM_001384126.1); c.19G>A, p.Ala7Thr (NM_001384127.1, NM_001384128.1, NM_001384131.1 and 3 more transcripts); c.-187-5584G>A (NM_001330374.2, NM_001330373.2, NM_001384130.1); c.48+12087G>A (NM_001370297.1); c.274G>A, p.Ala92Thr (NM_001304481.2); c.-826G>A (NM_001304483.2); c.-1133G>A (NM_001304484.2); short protein forms A144T, A7T, A92T.
Identifiers: ClinVar variation 1021469 (VCV001021469.8), dbSNP rs374980260, ClinGen allele CA6506559.